The following is an entry in ClinVar:

ClinVar aggregate classification (germline): Uncertain significance (1 of 4 stars; one submission).

gnomAD v4.1: 4 of 1,603,174 alleles (0.00025%); highest among the groups gnomAD compares: South Asian, 0.0022%; no homozygotes.

Submission:

CeGaT Center for Human Genetics Tuebingen
Classification: Uncertain significance. Last evaluated: 2025-06-01. Review status: criteria provided, single submitter. Criteria: CeGaT Center For Human Genetics Tuebingen Variant Classification Criteria Version 2. Collection method: clinical testing. Allele origin: germline. Affected: yes. Observed: 1 variant allele.
Comment: PLA2G4A: PM2, BP4

NM_024420.3(PLA2G4A):c.695+3T>C

Gene: PLA2G4A (phospholipase A2 group IVA; plus strand). Cytogenetic location: 1q31.1.
Variant type: single nucleotide variant.
Coding change: c.695+3T>C on transcript NM_024420.3 (MANE Select); 3 bases into the intron after coding-DNA position 695, T replaced by C.
Molecular consequence: intron variant.
Genome position (GRCh38, 1-based): chr1:186,932,902, T>C. VCF-style: chr1-186932902-T-C. GRCh37 (hg19) VCF-style: chr1-186902034-T-C.
Other names: c.515+3T>C (NM_001311193.2).
Identifiers: ClinVar variation 4084971 (VCV004084971.8).